The following is an entry in ClinVar:

NM_012210.4(TRIM32):c.1579G>T (p.Val527Phe)

Genes: ASTN2 (astrotactin 2; minus strand), TRIM32 (tripartite motif containing 32; plus strand). Cytogenetic location: 9q33.1.
Variant type: single nucleotide variant.
Coding change: c.1579G>T on transcript NM_012210.4 (MANE Select); coding-DNA position 1579, G replaced by T.
Protein change: p.Val527Phe; replaces valine 527 with phenylalanine.
Molecular consequence: missense variant. On other transcripts: intron variant (3).
Genome position (GRCh38, 1-based): chr9:116,699,321, G>T. VCF-style: chr9-116699321-G-T. GRCh37 (hg19) VCF-style: chr9-119461600-G-T.
Other names: c.1579G>T, p.Val527Phe (NM_001099679.2, NM_001379048.1, NM_001379049.1 and 1 more transcripts); c.2653+26450C>A (NM_014010.5); c.2794+26450C>A (NM_001365069.1); c.2806+26450C>A (NM_001365068.1); short protein forms V527F.
Identifiers: ClinVar variation 597210 (VCV000597210.7), dbSNP rs368901621, ClinGen allele CA374651987.

ClinVar aggregate classification (germline): Uncertain significance. Review status: criteria provided, multiple submitters, no conflicts (2 of 4 stars). 3 submissions from 3 submitters: Uncertain significance (2). 1 of the submissions does not count toward it. Last evaluated 2022-08-06.

Conditions:
Bardet-Biedl syndrome (BBS). Identifiers: Orphanet 110, MedGen C0752166, MONDO:0015229.
TRIM32-related disorder. Also called: TRIM32-related condition.

gnomAD v4.1: 3 of 1,614,184 alleles (0.00019%); highest among the groups gnomAD compares: Non-Finnish European, 0.00025%; no homozygotes.

Submissions (3):

Labcorp Genetics (formerly Invitae), Labcorp
Classification: Uncertain significance for Bardet-Biedl syndrome. Last evaluated: 2022-08-06. Review status: criteria provided, single submitter. Criteria: Invitae Variant Classification Sherloc (09022015). Collection method: clinical testing. Allele origin: germline.
Comment: This sequence change replaces valine, which is neutral and non-polar, with phenylalanine, which is neutral and non-polar, at codon 527 of the TRIM32 protein (p.Val527Phe). This variant is present in population databases (no rsID available, gnomAD 0.0009%). This variant has not been reported in the literature in individuals affected with TRIM32-related conditions. ClinVar contains an entry for this variant (Variation ID: 597210). Algorithms developed to predict the effect of missense changes on protein structure and function (SIFT, PolyPhen-2, Align-GVGD) all suggest that this variant is likely to be disruptive. In summary, the available evidence is currently insufficient to determine the role of this variant in disease. Therefore, it has been classified as a Variant of Uncertain Significance.

Eurofins Ntd Llc (ga)
Classification: Uncertain significance. Last evaluated: 2018-05-17. Review status: criteria provided, single submitter. Criteria: EGL ClinVar v180209 classification definitions. Collection method: clinical testing. Allele origin: germline. Observed: 1 variant allele, 1 heterozygote.

PreventionGenetics, part of Exact Sciences
Classification: Uncertain significance for TRIM32-related condition. Last evaluated: 2024-05-29. Review status: no assertion criteria provided. Collection method: clinical testing. Allele origin: germline. Not counted in ClinVar's aggregate classification.
Comment: The TRIM32 c.1579G>T variant is predicted to result in the amino acid substitution p.Val527Phe. To our knowledge, this variant has not been reported in the literature. This variant is reported in 0.00088% of alleles in individuals of European (Non-Finnish) descent in gnomAD. At this time, the clinical significance of this variant is uncertain due to the absence of conclusive functional and genetic evidence.